The following is an entry in ClinVar:

NM_000135.4(FANCA):c.1007-3C>A

Gene: FANCA (FA complementation group A; minus strand). Cytogenetic location: 16q24.3.
Variant type: single nucleotide variant.
Coding change: c.1007-3C>A on transcript NM_000135.4 (MANE Select); 3 bases into the intron before coding-DNA position 1007, C replaced by A.
Molecular consequence: intron variant.
Genome position (GRCh38, 1-based): chr16:89,792,550, G>T on the plus strand (C>A on the coding strand, the complement: FANCA is on the minus strand). VCF-style: chr16-89792550-G-T. GRCh37 (hg19) VCF-style: chr16-89858958-G-T.
Other names: c.1007-3C>A (NM_001286167.3, NM_000135.2).
Identifiers: ClinVar variation 2068734 (VCV002068734.3), dbSNP rs557382436, ClinGen allele CA286594176.

ClinVar aggregate classification (germline): Uncertain significance. Review status: criteria provided, multiple submitters, no conflicts (2 of 4 stars). 2 submissions from 2 submitters: Uncertain significance (2). Last evaluated 2023-11-28.

Conditions:
Fanconi anemia (FA). Also called: Fanconi's anemia. Identifiers: Orphanet 84, MedGen C0015625, MeSH D005199, MONDO:0019391.

Allele frequency attached by ClinVar (database versions not stated): 1000 Genomes Project 30x 0.00016; 1000 Genomes Project 0.00020.
gnomAD v4.1: 12 of 1,612,824 alleles (0.00074%); highest among the groups gnomAD compares: African/African-American, 0.0093%; no homozygotes.

Submissions (2):

Labcorp Genetics (formerly Invitae), Labcorp
Classification: Uncertain significance for Fanconi anemia. Last evaluated: 2023-11-28. Review status: criteria provided, single submitter. Criteria: Invitae Variant Classification Sherloc (09022015). Collection method: clinical testing. Allele origin: germline.
Comment: This sequence change falls in intron 11 of the FANCA gene. It does not directly change the encoded amino acid sequence of the FANCA protein. It affects a nucleotide within the consensus splice site. This variant is present in population databases (rs557382436, gnomAD 0.01%). This variant has not been reported in the literature in individuals affected with FANCA-related conditions. ClinVar contains an entry for this variant (Variation ID: 2068734). Variants that disrupt the consensus splice site are a relatively common cause of aberrant splicing (PMID: 17576681, 9536098). Algorithms developed to predict the effect of sequence changes on RNA splicing suggest that this variant is not likely to affect RNA splicing. In summary, the available evidence is currently insufficient to determine the role of this variant in disease. Therefore, it has been classified as a Variant of Uncertain Significance.

Mayo Clinic Laboratories, Mayo Clinic
Classification: Uncertain significance. Last evaluated: 2022-02-01. Review status: criteria provided, single submitter. Criteria: ACMG Guidelines, 2015. Collection method: clinical testing. Allele origin: germline. Observed: 1 variant allele.

Literature cited by the submitters: PubMed 17576681 (cited by Labcorp Genetics (formerly Invitae), Labcorp); PubMed 9536098 (cited by Labcorp Genetics (formerly Invitae), Labcorp).